The following is an entry in ClinVar:

NM_001370658.1(BTD):c.1167_1181delinsTTCCAATGGCC (p.Trp389fs)

Gene: BTD (biotinidase; plus strand). Cytogenetic location: 3p25.1.
Variant type: Indel.
Coding change: c.1167_1181delinsTTCCAATGGCC on transcript NM_001370658.1 (MANE Select); coding-DNA positions 1167 to 1181, GGGAAAGGAAGGCTA replaced by TTCCAATGGCC.
Protein change: p.Trp389fs; shifts the reading frame from tryptophan 389.
Molecular consequence: frameshift variant. On other transcripts: intron variant (8).
Genome position (GRCh38, 1-based): chr3:15,645,083-15,645,097, GGGAAAGGAAGGCTA replaced by TTCCAATGGCC. VCF-style: chr3-15645083-GGGAAAGGAAGGCTA-TTCCAATGGCC. GRCh37 (hg19) VCF-style: chr3-15686590-GGGAAAGGAAGGCTA-TTCCAATGGCC.
Other names: c.1227_1241delinsTTCCAATGGCC (NM_000060.4); c.1167_1181delinsTTCCAATGGCC, p.Trp389fs (NM_001281723.4, NM_001281724.3, NM_001281725.3 and 16 more transcripts); c.1015+152_1015+166delinsTTCCAATGGCC (NM_001370752.1, NM_001407379.1); c.399+3026_399+3040delinsTTCCAATGGCC (NM_001370753.1, NM_001407400.1, NM_001407380.1 and 3 more transcripts); short protein forms W389fs.
Identifiers: ClinVar variation 188805 (VCV000188805.20), dbSNP rs672601248, ClinGen allele CA278470.

ClinVar aggregate classification (germline): Pathogenic/Likely pathogenic. Review status: criteria provided, multiple submitters, no conflicts (2 of 4 stars). 7 submissions from 7 submitters: Pathogenic (4); Likely pathogenic (1). 2 of the submissions do not count toward it. Last evaluated 2026-01-19.

Conditions:
Biotinidase deficiency. Also called: BTD deficiency; Late-onset biotin-responsive multiple carboxylase deficiency; Biotin deficiency. Identifiers: Orphanet 79241, MedGen C0220754, MONDO:0009665, OMIM 253260.

Submissions (7):

Labcorp Genetics (formerly Invitae), Labcorp
Classification: Pathogenic for Biotinidase deficiency. Last evaluated: 2026-01-19. Review status: criteria provided, single submitter. Criteria: Invitae Variant Classification Sherloc (09022015). Collection method: clinical testing. Allele origin: germline.
Comment: This sequence change creates a premature translational stop signal (p.Trp409Cysfs*91) in the BTD gene. While this is not anticipated to result in nonsense mediated decay, it is expected to disrupt the last 135 amino acid(s) of the BTD protein. Information on the frequency of this variant in the gnomAD database is not available, as this variant may be reported differently in the database. This premature translational stop signal has been observed in individual(s) with biotinidase deficiency (PMID: 8894703). This variant disrupts a region of the BTD protein in which other variant(s) (p.Leu498Phefs*13) have been determined to be pathogenic (PMID: 17382128, 19728141, 29359854). This suggests that this is a clinically significant region of the protein, and that variants that disrupt it are likely to be disease-causing. For these reasons, this variant has been classified as Pathogenic.

Natera, Inc.
Classification: Likely pathogenic for Biotinidase deficiency. Last evaluated: 2024-11-27. Review status: criteria provided, single submitter. Criteria: Natera Variant Classification Schema (03/2026). Collection method: clinical testing. Allele origin: germline.
Comment: The c.1167_1181delinsTTCCAATGGCC variant in BTD is a frameshift variant predicted to shift the reading frame beginning at codon 389 and leads to a stop codon 91 codons downstream. This variant is expected to result in nonsense mediated decay, truncation, or a dysfunctional protein product. This variant is rare in the general population with a frequency below the threshold expected for the associated phenotype(s). This variant has been observed in one or more individuals affected with the associated recessive disease, as either homozygous or compound heterozygous with a second variant (PMID: 28498829, 8894703, 38299772). Given the available evidence, this variant is classified as Likely Pathogenic.

Baylor Genetics
Classification: Pathogenic for Biotinidase deficiency. Last evaluated: 2024-03-09. Review status: criteria provided, single submitter. Criteria: ACMG Guidelines, 2015. Collection method: clinical testing. Allele origin: unknown.

Quest Diagnostics Nichols Institute San Juan Capistrano
Classification: Pathogenic. Last evaluated: 2021-08-10. Review status: criteria provided, single submitter. Criteria: Quest Diagnostics criteria. Collection method: clinical testing. Allele origin: unknown.
Comment: This frameshift variant causes the premature termination of BTD protein synthesis. In addition, it has been reported in a child with biotinidase deficiency in the published literature (PMID: 8894703 (1996)). Based on the available information, this variant is classified as pathogenic.

Eurofins Ntd Llc (ga)
Classification: Pathogenic. Last evaluated: 2017-07-25. Review status: criteria provided, single submitter. Criteria: EGL Classification Definitions 2015. Collection method: clinical testing. Allele origin: germline. Observed: 1 variant allele, 1 heterozygote.

Counsyl
Classification: Likely pathogenic for Biotinidase deficiency. Last evaluated: 2014-05-28. Review status: no assertion criteria provided. Collection method: literature only. Allele origin: unknown. Inheritance: Autosomal recessive inheritance. Not counted in ClinVar's aggregate classification.

OMIM
Classification: Pathogenic for BIOTINIDASE DEFICIENCY. Last evaluated: 1996-10-01. Review status: no assertion criteria provided. Collection method: literature only. Allele origin: germline. Not counted in ClinVar's aggregate classification.

Literature cited by the submitters: PubMed 8894703 (cited by 6 submitters); PubMed 17382128 (cited by Labcorp Genetics (formerly Invitae), Labcorp); PubMed 19728141 (cited by Labcorp Genetics (formerly Invitae), Labcorp); PubMed 29359854 (cited by Labcorp Genetics (formerly Invitae), Labcorp); PubMed 28498829 (cited by Natera, Inc.); PubMed 38299772 (cited by Natera, Inc.); PubMed 10400129 (cited by Quest Diagnostics Nichols Institute San Juan Capistrano and Counsyl); PubMed 11668630 (cited by Quest Diagnostics Nichols Institute San Juan Capistrano and Counsyl); PubMed 7509806 (cited by OMIM).